The following is an entry in ClinVar:

ClinVar aggregate classification (germline): Pathogenic. Review status: criteria provided, multiple submitters, no conflicts (2 of 4 stars). 2 submissions from 2 submitters: Pathogenic (2). Last evaluated 2024-09-05.

Conditions:
Cardiovascular phenotype. Identifiers: MedGen CN230736.
Dilated cardiomyopathy 1G (CMD1G). Identifiers: Orphanet 154, MedGen C1858763, MONDO:0011400, OMIM 604145.
Autosomal recessive limb-girdle muscular dystrophy type 2J (LGMDR10). Also called: MUSCULAR DYSTROPHY, LIMB-GIRDLE, AUTOSOMAL RECESSIVE 10; Limb-girdle muscular dystrophy, type 2J. Identifiers: Orphanet 140922, MedGen C1837342, MONDO:0012127, OMIM 608807.

Submissions (2):

Molecular Diagnostic Laboratory for Inherited Cardiovascular Disease, Montreal Heart Institute
Classification: Pathogenic for Cardiovascular phenotype. Last evaluated: 2024-09-05. Review status: criteria provided, single submitter. Criteria: ACMG Guidelines, 2015. Collection method: clinical testing. Allele origin: germline. Affected: yes.
Comment: PVS1, PM2, PM3, PS4_supp, PP1

Labcorp Genetics (formerly Invitae), Labcorp
Classification: Pathogenic for Dilated cardiomyopathy 1G; Autosomal recessive limb-girdle muscular dystrophy type 2J. Last evaluated: 2024-02-17. Review status: criteria provided, single submitter. Criteria: Invitae Variant Classification Sherloc (09022015). Collection method: clinical testing. Allele origin: germline.
Comment: This sequence change creates a premature translational stop signal (p.Lys14105Asnfs*35) in the TTN gene. While this is not anticipated to result in nonsense mediated decay, it is expected to create a truncated TTN protein. This variant is not present in population databases (gnomAD no frequency). This premature translational stop signal has been observed in individual(s) with autosomal recessive TTN-related condition (PMID: 27159402). In at least one individual the data is consistent with being in trans (on the opposite chromosome) from a pathogenic variant. ClinVar contains an entry for this variant (Variation ID: 242422). This variant is located in the I band of TTN (PMID: 25589632). Truncating variants in this region have been reported in individuals affected with autosomal recessive centronuclear myopathy (PMID: 23975875, Invitae internal data). Truncating variants in this region have also been identified in individuals affected with autosomal dominant dilated cardiomyopathy and/or cardio-related conditions (PMID: 27869827, 32964742, Invitae internal data). For these reasons, this variant has been classified as Pathogenic.

Literature cited by the submitters: PubMed 27159402 (cited by Labcorp Genetics (formerly Invitae), Labcorp); PubMed 25589632 (cited by Labcorp Genetics (formerly Invitae), Labcorp); PubMed 23975875 (cited by Labcorp Genetics (formerly Invitae), Labcorp); PubMed 27869827 (cited by Labcorp Genetics (formerly Invitae), Labcorp); PubMed 32964742 (cited by Labcorp Genetics (formerly Invitae), Labcorp).

NM_001267550.2(TTN):c.42315_42318del (p.Lys14105fs)

Gene: TTN (titin; minus strand). Cytogenetic location: 2q31.2.
Variant type: Microsatellite.
Coding change: c.42315_42318del on transcript NM_001267550.2 (MANE Select); coding-DNA positions 42315 to 42318, 4 bases deleted (GAAA; older notation c.42315_42318delGAAA).
Protein change: p.Lys14105fs; shifts the reading frame from lysine 14105.
Molecular consequence: frameshift variant.
Genome position (GRCh38, 1-based): chr2:178,634,463-178,634,466, TTTC deleted on the plus strand (GAAA on the coding strand, the reverse complement: TTN is on the minus strand); deleting any 4 consecutive bases within chr2:178,634,463-178,634,470 gives the same sequence; the c. name uses the placement nearest the transcript's 3' end. VCF-style (leftmost placement, unchanged base first): chr2-178634462-GTTTC-G. GRCh37 (hg19) VCF-style: chr2-179499189-GTTTC-G.
Other names: c.42315_42318delGAAA (NM_001267550.2); c.37392_37395del, p.Lys12464fs (NM_001256850.1); c.15120_15123del, p.Lys5040fs (NM_003319.4); c.34611_34614del, p.Lys11537fs (NM_133378.4); c.15495_15498del, p.Lys5165fs (NM_133432.3); c.15696_15699del, p.Lys5232fs (NM_133437.4); short protein forms K5040fs, K11537fs, K5232fs, K12464fs, K14105fs, K5165fs.
Identifiers: ClinVar variation 242422 (VCV000242422.6), dbSNP rs878854371, ClinGen allele CA16616829.